The following is an entry in ClinVar:

ClinVar aggregate classification (germline): Uncertain significance (1 of 4 stars; one submission).

Conditions:
Multiple gastrointestinal atresias. Also called: Multiple intestinal atresia; FAMILIAL INTESTINAL POLYATRESIA SYNDROME. Identifiers: Orphanet 2300, MedGen C0220744, MONDO:0009465.

Allele frequency attached by ClinVar (database versions not stated): gnomAD exomes below 0.00001.

Submission:

Labcorp Genetics (formerly Invitae), Labcorp
Classification: Uncertain significance for Multiple gastrointestinal atresias. Last evaluated: 2019-08-18. Review status: criteria provided, single submitter. Criteria: Invitae Variant Classification Sherloc (09022015). Collection method: clinical testing. Allele origin: germline.
Comment: In summary, the available evidence is currently insufficient to determine the role of this variant in disease. Therefore, it has been classified as a Variant of Uncertain Significance. Algorithms developed to predict the effect of missense changes on protein structure and function are either unavailable or do not agree on the potential impact of this missense change (SIFT: "Deleterious"; PolyPhen-2: "Benign"; Align-GVGD: "Class C0"). This variant has not been reported in the literature in individuals with TTC7A-related conditions. This variant is not present in population databases (ExAC no frequency). This sequence change replaces methionine with threonine at codon 453 of the TTC7A protein (p.Met453Thr). The methionine residue is weakly conserved and there is a moderate physicochemical difference between methionine and threonine.

NM_020458.4(TTC7A):c.1358T>C (p.Met453Thr)

Gene: TTC7A (tetratricopeptide repeat domain 7A; plus strand). Cytogenetic location: 2p21.
Variant type: single nucleotide variant.
Coding change: c.1358T>C on transcript NM_020458.4 (MANE Select); coding-DNA position 1358, T replaced by C.
Protein change: p.Met453Thr; replaces methionine 453 with threonine.
Molecular consequence: missense variant.
Genome position (GRCh38, 1-based): chr2:47,011,401, T>C. VCF-style: chr2-47011401-T-C. GRCh37 (hg19) VCF-style: chr2-47238540-T-C.
Other names: c.1358T>C, p.Met453Thr (NM_001288951.2); c.1256T>C, p.Met419Thr (NM_001288953.2); c.296T>C, p.Met99Thr (NM_001288955.2); short protein forms M419T, M99T, M453T.
Identifiers: ClinVar variation 955023 (VCV000955023.9), dbSNP rs1558574754, ClinGen allele CA346715419.
Genomic context (GRCh38, chr2:47,011,401, plus strand): 5'-CTGTGTCCCTGCTGCGGGAGTGTGTGAAGTTGCGGCCCTCGGACCCCACCGTGCCCCTGA[T>C]GGCCGCGAAGGTCTGCATCGGGTCCCTTCGCTGGGTGAGTGAGCTGTGAGGGCAGGTCCC-3'
Protein context (NP_065191.2, residues 443-463): LRPSDPTVPL[Met453Thr]AAKVCIGSLR